The following is an entry in ClinVar:

NM_014000.3(VCL):c.1042G>A (p.Val348Met)

Gene: VCL (vinculin; plus strand). Cytogenetic location: 10q22.2.
Variant type: single nucleotide variant.
Coding change: c.1042G>A on transcript NM_014000.3 (MANE Select); coding-DNA position 1042, G replaced by A.
Protein change: p.Val348Met; replaces valine 348 with methionine.
Molecular consequence: missense variant.
Genome position (GRCh38, 1-based): chr10:74,089,215, G>A. VCF-style: chr10-74089215-G-A. GRCh37 (hg19) VCF-style: chr10-75848973-G-A.
Other names: c.1042G>A, p.Val348Met (NM_003373.4); short protein forms V348M.
Identifiers: ClinVar variation 1466313 (VCV001466313.6), dbSNP rs2131907622, ClinGen allele CA377272266.

ClinVar aggregate classification (germline): Uncertain significance (1 of 4 stars; one submission).

Conditions:
Dilated cardiomyopathy 1W (CMD1W). Identifiers: Orphanet 154, MedGen C1969639, MONDO:0012667, OMIM 611407.

Submission:

Labcorp Genetics (formerly Invitae), Labcorp
Classification: Uncertain significance for Dilated cardiomyopathy 1W. Last evaluated: 2021-01-30. Review status: criteria provided, single submitter. Criteria: Invitae Variant Classification Sherloc (09022015). Collection method: clinical testing. Allele origin: germline.
Comment: Algorithms developed to predict the effect of missense changes on protein structure and function output the following: SIFT: "Not Available"; PolyPhen-2: "Benign"; Align-GVGD: "Not Available". The methionine amino acid residue is found in multiple mammalian species, suggesting that this missense change does not adversely affect protein function. These predictions have not been confirmed by published functional studies and their clinical significance is uncertain. In summary, the available evidence is currently insufficient to determine the role of this variant in disease. Therefore, it has been classified as a Variant of Uncertain Significance. This variant has not been reported in the literature in individuals with VCL-related conditions. This variant is not present in population databases (ExAC no frequency). This sequence change replaces valine with methionine at codon 348 of the VCL protein (p.Val348Met). The valine residue is moderately conserved and there is a small physicochemical difference between valine and methionine.